The following is an entry in ClinVar:

NM_014336.5(AIPL1):c.546C>A (p.His182Gln)

Gene: AIPL1 (AIP like 1 HSP90 co-chaperone; minus strand). Cytogenetic location: 17p13.2.
Variant type: single nucleotide variant.
Coding change: c.546C>A on transcript NM_014336.5 (MANE Select); coding-DNA position 546, C replaced by A.
Protein change: p.His182Gln; replaces histidine 182 with glutamine.
Molecular consequence: missense variant.
Genome position (GRCh38, 1-based): chr17:6,426,977, G>T on the plus strand (C>A on the coding strand, the complement: AIPL1 is on the minus strand). VCF-style: chr17-6426977-G-T. GRCh37 (hg19) VCF-style: chr17-6330297-G-T.
Other names: c.357C>A, p.His119Gln (NM_001033054.3); c.366C>A, p.His122Gln (NM_001033055.3); c.510C>A, p.His170Gln (NM_001285399.3); c.480C>A, p.His160Gln (NM_001285400.3); c.546C>A, p.His182Gln (NM_001285401.3); c.429C>A, p.His143Gln (NM_001285402.2); c.522C>A, p.His174Gln (NM_001285403.4); short protein forms H119Q, H143Q, H170Q, H122Q, H160Q, H174Q, H182Q.
Identifiers: ClinVar variation 1442267 (VCV001442267.4), dbSNP rs745326012, ClinGen allele CA8328474.
Genomic context (GRCh38, chr17:6,426,977, plus strand): 5'-CTGGTACTTGGAAGAGGCCTCCTCGTAGCGGCCCAGCTTGAAGAGCCGATTTCCCTCTCC[G>T]TGGAGGACGGGCACCGCCTTCATCTTCTCATGATTGCTCAGGTTCCAGGTCTCCCTCTGG-3'
Protein context (NP_055151.3, residues 172-192): HEKMKAVPVL[His182Gln]GEGNRLFKLG

ClinVar aggregate classification (germline): Uncertain significance. Review status: criteria provided, multiple submitters, no conflicts (2 of 4 stars). 2 submissions from 2 submitters: Uncertain significance (2). Last evaluated 2022-10-05.

Conditions:
Leber congenital amaurosis 4 (LCA4). Identifiers: MedGen C1858386, MONDO:0011458, OMIM 604393.

Allele frequency attached by ClinVar (database versions not stated): gnomAD 0.00001.
gnomAD v4.1: 16 of 1,614,068 alleles (0.00099%); highest among the groups gnomAD compares: Admixed American, 0.005%; no homozygotes.

Submissions (2):

Blueprint Genetics
Classification: Uncertain significance. Last evaluated: 2022-10-05. Review status: criteria provided, single submitter. Criteria: ACMG Guidelines, 2015. Collection method: clinical testing. Allele origin: germline.

Labcorp Genetics (formerly Invitae), Labcorp
Classification: Uncertain significance for Leber congenital amaurosis 4. Last evaluated: 2022-07-05. Review status: criteria provided, single submitter. Criteria: Invitae Variant Classification Sherloc (09022015). Collection method: clinical testing. Allele origin: germline.
Comment: This sequence change replaces histidine, which is basic and polar, with glutamine, which is neutral and polar, at codon 182 of the AIPL1 protein (p.His182Gln). This variant is present in population databases (rs745326012, gnomAD 0.009%). This variant has not been reported in the literature in individuals affected with AIPL1-related conditions. ClinVar contains an entry for this variant (Variation ID: 1442267). Algorithms developed to predict the effect of missense changes on protein structure and function are either unavailable or do not agree on the potential impact of this missense change (SIFT: "Tolerated"; PolyPhen-2: "Probably Damaging"; Align-GVGD: "Class C0"). Algorithms developed to predict the effect of sequence changes on RNA splicing suggest that this variant may create or strengthen a splice site. In summary, the available evidence is currently insufficient to determine the role of this variant in disease. Therefore, it has been classified as a Variant of Uncertain Significance.